The following is an entry in ClinVar:

ClinVar aggregate classification (germline): Uncertain significance (1 of 4 stars; one submission).

Conditions:
Alstrom syndrome (ALMS). Identifiers: Orphanet 64, MedGen C0268425, MONDO:0008763, OMIM 203800.

Allele frequency attached by ClinVar (database versions not stated): ExAC 0.00001.
gnomAD v4.1: 1 of 1,613,960 alleles (0.000062%); highest among the groups gnomAD compares: South Asian, 0.0011%; no homozygotes.

Submission:

Labcorp Genetics (formerly Invitae), Labcorp
Classification: Uncertain significance for Alstrom syndrome. Last evaluated: 2022-06-27. Review status: criteria provided, single submitter. Criteria: Invitae Variant Classification Sherloc (09022015). Collection method: clinical testing. Allele origin: germline.
Comment: In summary, the available evidence is currently insufficient to determine the role of this variant in disease. Therefore, it has been classified as a Variant of Uncertain Significance. Experimental studies and prediction algorithms are not available or were not evaluated, and the functional significance of this variant is currently unknown. This variant has not been reported in the literature in individuals affected with ALMS1-related conditions. This variant is present in population databases (rs749067384, gnomAD 0.003%). This sequence change replaces glutamine with histidine at codon 1584 of the ALMS1 protein (p.Gln1584His). The glutamine residue is weakly conserved and there is a small physicochemical difference between glutamine and histidine.

NM_001378454.1(ALMS1):c.4749G>T (p.Gln1583His)

Gene: ALMS1 (ALMS1 centrosome and basal body associated protein; plus strand). Cytogenetic location: 2p13.1.
Variant type: single nucleotide variant.
Coding change: c.4749G>T on transcript NM_001378454.1 (MANE Select); coding-DNA position 4749, G replaced by T.
Protein change: p.Gln1583His; replaces glutamine 1583 with histidine.
Molecular consequence: missense variant.
Genome position (GRCh38, 1-based): chr2:73,451,276, G>T. VCF-style: chr2-73451276-G-T. GRCh37 (hg19) VCF-style: chr2-73678403-G-T.
Other names: c.4752G>T, p.Gln1584His (NM_015120.4); short protein forms Q1583H, Q1584H.
Identifiers: ClinVar variation 1481260 (VCV001481260.6), dbSNP rs749067384, ClinGen allele CA1713757.
Genomic context (GRCh38, chr2:73,451,276, plus strand): 5'-ACCAACCATAACCTCTACTTCCTACTCATTTGGAGAGAAGCCGATTGTTAACTACAAACA[G>T]GCCTTTCCAGATGGTCATCTACCTGAAGAGGCTCTGAAAGTTTCCATTGTTTCTGGACCT-3'
Protein context (NP_001365383.1, residues 1573-1593): FGEKPIVNYK[Gln1583His]AFPDGHLPEE